The following is an entry in ClinVar:

ClinVar aggregate classification (germline): Uncertain significance (1 of 4 stars; one submission).

Conditions:
Neurofibromatosis, type 1 (NF1). Also called: Neurofibromatosis, type I; NEUROFIBROMATOSIS, TYPE I, SOMATIC; Peripheral type neurofibromatosis; VON RECKLINGHAUSEN DISEASE. Identifiers: Orphanet 636, MedGen C0027831, MONDO:0018975, OMIM 162200. Disease mechanism: loss of function.

Submission:

Labcorp Genetics (formerly Invitae), Labcorp
Classification: Uncertain significance for Neurofibromatosis, type 1. Last evaluated: 2023-05-18. Review status: criteria provided, single submitter. Criteria: Invitae Variant Classification Sherloc (09022015). Collection method: clinical testing. Allele origin: germline.
Comment: In summary, the available evidence is currently insufficient to determine the role of this variant in disease. Therefore, it has been classified as a Variant of Uncertain Significance. Advanced modeling of protein sequence and biophysical properties (such as structural, functional, and spatial information, amino acid conservation, physicochemical variation, residue mobility, and thermodynamic stability) has been performed at Invitae for this missense variant, however the output from this modeling did not meet the statistical confidence thresholds required to predict the impact of this variant on NF1 protein function. This variant has not been reported in the literature in individuals affected with NF1-related conditions. This variant is not present in population databases (gnomAD no frequency). This sequence change replaces asparagine, which is neutral and polar, with threonine, which is neutral and polar, at codon 45 of the NF1 protein (p.Asn45Thr).

NM_001042492.3(NF1):c.134A>C (p.Asn45Thr)

Gene: NF1 (neurofibromin 1; plus strand). Cytogenetic location: 17q11.2.
Variant type: single nucleotide variant.
Coding change: c.134A>C on transcript NM_001042492.3 (MANE Select); coding-DNA position 134, A replaced by C.
Protein change: p.Asn45Thr; replaces asparagine 45 with threonine.
Molecular consequence: missense variant.
Genome position (GRCh38, 1-based): chr17:31,156,056, A>C. VCF-style: chr17-31156056-A-C. GRCh37 (hg19) VCF-style: chr17-29483074-A-C.
Other names: c.134A>C, p.Asn45Thr (NM_000267.4, NM_001128147.3); short protein forms N45T.
Identifiers: ClinVar variation 2865472 (VCV002865472.3), dbSNP rs753189381, ClinGen allele CA398988417.
Genomic context (GRCh38, chr17:31,156,056, plus strand): 5'-CAGGACAGCAGAACACACATACCAAAGTCAGTACTGAGCACAACAAGGAATGTCTAATCA[A>C]TATTTCCAAATACAAGTTTTCTTTGGTTATAAGCGGCCTCACTACTATTTTAAAGAATGT-3'
Protein context (NP_001035957.1, residues 35-55): STEHNKECLI[Asn45Thr]ISKYKFSLVI